The following is an entry in ClinVar:

NM_000123.4(ERCC5):c.1094A>G (p.Asn365Ser)

Genes: BIVM-ERCC5 (BIVM-ERCC5 readthrough; plus strand), ERCC5 (ERCC excision repair 5, endonuclease; plus strand). Cytogenetic location: 13q33.1.
Variant type: single nucleotide variant.
Coding change: c.1094A>G on transcript NM_000123.4 (MANE Select); coding-DNA position 1094, A replaced by G.
Protein change: p.Asn365Ser; replaces asparagine 365 with serine.
Molecular consequence: missense variant.
Genome position (GRCh38, 1-based): chr13:102,862,243, A>G. VCF-style: chr13-102862243-A-G. GRCh37 (hg19) VCF-style: chr13-103514593-A-G.
Other names: c.2456A>G, p.Asn819Ser (NM_001204425.2); short protein forms N365S, N819S.
Identifiers: ClinVar variation 4989934 (VCV004989934.1).

ClinVar aggregate classification (germline): Uncertain significance (1 of 4 stars; one submission).

Conditions:
ERCC5-related disorder. Also called: ERCC5-related condition.

gnomAD v4.1: 86 of 1,613,986 alleles (0.0053%); highest among the groups gnomAD compares: Non-Finnish European, 0.006%; no homozygotes.

Submission:

PreventionGenetics, part of Exact Sciences
Classification: Uncertain significance for ERCC5-related condition. Last evaluated: 2025-08-04. Review status: criteria provided, single submitter. Criteria: ACMG Guidelines, 2015. Collection method: clinical testing. Allele origin: germline.
Comment: The ERCC5 c.1094A>G variant is predicted to result in the amino acid substitution p.Asn365Ser. To our knowledge, this variant has not been reported in the literature. This variant is reported in 0.0033% of alleles in individuals of South Asian descent in gnomAD. At this time, the clinical significance of this variant is uncertain due to the absence of conclusive functional and genetic evidence.